The following is an entry in ClinVar:

NM_001282933.2(ZNF341):c.481C>T (p.Pro161Ser)

Gene: ZNF341 (zinc finger protein 341; plus strand). Cytogenetic location: 20q11.22.
Variant type: single nucleotide variant.
Coding change: c.481C>T on transcript NM_001282933.2 (MANE Select); coding-DNA position 481, C replaced by T.
Protein change: p.Pro161Ser; replaces proline 161 with serine.
Molecular consequence: missense variant. On other transcripts: non-coding transcript variant (1).
Genome position (GRCh38, 1-based): chr20:33,749,064, C>T. VCF-style: chr20-33749064-C-T. GRCh37 (hg19) VCF-style: chr20-32336870-C-T.
Other names: c.481C>T (NM_032819.3); c.211C>T, p.Pro71Ser (NM_001282935.2); c.481C>T, p.Pro161Ser (NM_032819.5); short protein forms P161S, P71S.
Identifiers: ClinVar variation 1675155 (VCV001675155.3), dbSNP rs775264826, ClinGen allele CA9819177.

ClinVar aggregate classification (germline): Uncertain significance. Review status: criteria provided, multiple submitters, no conflicts (2 of 4 stars). 3 submissions from 3 submitters: Uncertain significance (3). Last evaluated 2024-04-20.

Conditions:
Hyper-IgE recurrent infection syndrome 3, autosomal recessive. Also called: HYPER-IgE SYNDROME 3, AUTOSOMAL RECESSIVE, WITH RECURRENT INFECTIONS; Autosomal recessive hyper-IgE syndrome due to ZNF341 deficiency. Identifiers: Orphanet 641368, MedGen C4748969, MONDO:0032654, OMIM 618282.

Allele frequency attached by ClinVar (database versions not stated): gnomAD 0.00001; TOPMed 0.00002; gnomAD exomes 0.00004 and 0.00009; ExAC 0.00012.
gnomAD v4.1: 59 of 1,613,490 alleles (0.0037%); highest among the groups gnomAD compares: South Asian, 0.059%; no homozygotes.

Submissions (3):

Blueprint Genetics
Classification: Uncertain significance. Last evaluated: 2024-04-20. Review status: criteria provided, single submitter. Criteria: ACMG Guidelines, 2015. Collection method: clinical testing. Allele origin: germline.

Ambry Genetics
Classification: Uncertain significance. Last evaluated: 2023-12-18. Review status: criteria provided, single submitter. Criteria: Ambry Variant Classification Scheme 2023. Collection method: clinical testing. Allele origin: germline.

Center for Genomics, Ann and Robert H. Lurie Children's Hospital of Chicago
Classification: Uncertain significance for Hyper-IgE recurrent infection syndrome 3, autosomal recessive. Last evaluated: 2021-03-15. Review status: criteria provided, single submitter. Criteria: ACMG Guidelines, 2015. Collection method: clinical testing. Allele origin: germline.
Comment: ZNF341 NM_032819.4 exon 4 p.Pro161Ser (c.481C>T): This variant has not been reported in the literature but is present in 0.006% (1/15278) of Latino alleles in the Genome Aggregation Database. Evolutionary conservation and computational predictive tools for this variant are unclear. In summary, data on this variant is insufficient for disease classification. Therefore, the clinical significance of this variant is uncertain.